The following is an entry in ClinVar:

ClinVar aggregate classification (germline): Uncertain significance. Review status: criteria provided, multiple submitters, no conflicts (2 of 4 stars). 2 submissions from 2 submitters: Uncertain significance (2). Last evaluated 2023-03-01.

Conditions:
T-B+ severe combined immunodeficiency due to JAK3 deficiency. Also called: SCID, autosomal recessive, T-negative/B-positive type; SCID, T CELL-NEGATIVE, B CELL-POSITIVE, NK CELL-NEGATIVE. Identifiers: Orphanet 35078, MedGen C1833275, MONDO:0010938, OMIM 600802.
Inborn genetic diseases. Identifiers: MedGen C0950123, MeSH D030342.

Allele frequency attached by ClinVar (database versions not stated): ExAC 0.00001; gnomAD exomes 0.00001 and 0.00005; gnomAD 0.00003 and 0.00004.
gnomAD v4.1: 79 of 1,614,122 alleles (0.0049%); highest among the groups gnomAD compares: Non-Finnish European, 0.0064%; no homozygotes.

Submissions (2):

Ambry Genetics
Classification: Uncertain significance for Inborn genetic diseases. Last evaluated: 2023-03-01. Review status: criteria provided, single submitter. Criteria: Ambry Variant Classification Scheme 2023. Collection method: clinical testing. Allele origin: germline.

Labcorp Genetics (formerly Invitae), Labcorp
Classification: Uncertain significance for T-B+ severe combined immunodeficiency due to JAK3 deficiency. Last evaluated: 2021-10-05. Review status: criteria provided, single submitter. Criteria: Invitae Variant Classification Sherloc (09022015). Collection method: clinical testing. Allele origin: germline.
Comment: This sequence change replaces alanine with valine at codon 797 of the JAK3 protein (p.Ala797Val). The alanine residue is weakly conserved and there is a small physicochemical difference between alanine and valine. This variant is present in population databases (rs765366102, ExAC 0.002%). This variant has not been reported in the literature in individuals affected with JAK3-related conditions. Advanced modeling of protein sequence and biophysical properties (such as structural, functional, and spatial information, amino acid conservation, physicochemical variation, residue mobility, and thermodynamic stability) performed at Invitae indicates that this missense variant is not expected to disrupt JAK3 protein function. Algorithms developed to predict the effect of sequence changes on RNA splicing suggest that this variant may create or strengthen a splice site. In summary, the available evidence is currently insufficient to determine the role of this variant in disease. Therefore, it has been classified as a Variant of Uncertain Significance.

NM_000215.4(JAK3):c.2390C>T (p.Ala797Val)

Gene: JAK3 (Janus kinase 3; minus strand). Cytogenetic location: 19p13.11.
Variant type: single nucleotide variant.
Coding change: c.2390C>T on transcript NM_000215.4 (MANE Select); coding-DNA position 2390, C replaced by T.
Protein change: p.Ala797Val; replaces alanine 797 with valine.
Molecular consequence: missense variant.
Genome position (GRCh38, 1-based): chr19:17,832,890, G>A on the plus strand (C>T on the coding strand, the complement: JAK3 is on the minus strand). VCF-style: chr19-17832890-G-A. GRCh37 (hg19) VCF-style: chr19-17943699-G-A.
Other names: c.2390C>T (NM_000215.3); short protein forms A797V.
Identifiers: ClinVar variation 1431301 (VCV001431301.4), dbSNP rs765366102, ClinGen allele CA9301608.
Genomic context (GRCh38, chr19:17,832,890, plus strand): 5'-AAGATCGTGGGGTCTTGGCAGGCATAGAGCTGGGCACCATTCCACAGCCCATCACGAGGT[G>A]CCAGGGCACCAGGTGTGGGGTCTGAGAGGAGCTCATAGTCTGGGGTGGGGGCATGGGCAG-3'
Protein context (NP_000206.2, residues 787-807): LLSDPTPGAL[Ala797Val]PRDGLWNGAQ